The following is an entry in ClinVar:

ClinVar aggregate classification (germline): Uncertain significance (1 of 4 stars; one submission).

Conditions:
Emery-Dreifuss muscular dystrophy 4, autosomal dominant (EDMD4). Also called: EMERY-DREIFUSS MUSCULAR DYSTROPHY 4 WITH VARIABLE FEATURES. Identifiers: Orphanet 261, MedGen C2751807, MONDO:0013071, OMIM 612998.
Autosomal recessive ataxia, Beauce type. Also called: Spinocerebellar ataxia, autosomal recessive 8; ATAXIA, RECESSIVE, OF BEAUCE; SYNE1-Related Autosomal Recessive Cerebellar Ataxia; SYNE1 Deficiency. Identifiers: Orphanet 88644, MedGen C1853116, MONDO:0012549, OMIM 610743.

Submission:

Labcorp Genetics (formerly Invitae), Labcorp
Classification: Uncertain significance for Emery-Dreifuss muscular dystrophy 4, autosomal dominant; Autosomal recessive ataxia, Beauce type. Last evaluated: 2025-01-07. Review status: criteria provided, single submitter. Criteria: Invitae Variant Classification Sherloc (09022015). Collection method: clinical testing. Allele origin: germline.
Comment: This sequence change replaces aspartic acid, which is acidic and polar, with asparagine, which is neutral and polar, at codon 7059 of the SYNE1 protein (p.Asp7059Asn). This variant is not present in population databases (gnomAD no frequency). This variant has not been reported in the literature in individuals affected with SYNE1-related conditions. An algorithm developed to predict the effect of missense changes on protein structure and function (PolyPhen-2) suggests that this variant is likely to be disruptive. In summary, the available evidence is currently insufficient to determine the role of this variant in disease. Therefore, it has been classified as a Variant of Uncertain Significance.

NM_182961.4(SYNE1):c.21388G>A (p.Asp7130Asn)

Gene: SYNE1 (spectrin repeat containing nuclear envelope protein 1; minus strand). Cytogenetic location: 6q25.2.
Variant type: single nucleotide variant.
Coding change: c.21388G>A on transcript NM_182961.4 (MANE Select); coding-DNA position 21388, G replaced by A.
Protein change: p.Asp7130Asn; replaces aspartic acid 7130 with asparagine.
Molecular consequence: missense variant.
Genome position (GRCh38, 1-based): chr6:152,224,628, C>T on the plus strand (G>A on the coding strand, the complement: SYNE1 is on the minus strand). VCF-style: chr6-152224628-C-T. GRCh37 (hg19) VCF-style: chr6-152545763-C-T.
Other names: c.21175G>A, p.Asp7059Asn (NM_033071.5); short protein forms D7059N, D7130N.
Identifiers: ClinVar variation 3760260 (VCV003760260.2).
Genomic context (GRCh38, chr6:152,224,628, plus strand): 5'-TGGCCTCCATGAGGTAACTGTTTATCTTGTCAAAGGCCACTTTGTGACTACTCCATTGGT[C>T]AAGCACTGATTTCAGCAGTATCTTTAATTGTCCAACCTTTTGAAAAAGACAAATATGGCT-3'
Protein context (NP_892006.3, residues 7120-7140): QLKILLKSVL[Asp7130Asn]QWSSHKVAFD